The following is an entry in ClinVar:

ClinVar aggregate classification (germline): Likely benign (1 of 4 stars; one submission).

Allele frequency attached by ClinVar (database versions not stated): TOPMed 0.00005.
gnomAD v4.1: 134 of 1,425,692 alleles (0.0094%); highest among the groups gnomAD compares: Non-Finnish European, 0.011%; no homozygotes.

Submission:

CeGaT Center for Human Genetics Tuebingen
Classification: Likely benign. Last evaluated: 2023-06-01. Review status: criteria provided, single submitter. Criteria: CeGaT Center For Human Genetics Tuebingen Variant Classification Criteria Version 2. Collection method: clinical testing. Allele origin: germline. Affected: yes. Observed: 4 variant alleles.
Comment: CACNA1A: BP4, BP7

NM_001127222.2(CACNA1A):c.7344C>G (p.Thr2448=)

Gene: CACNA1A (calcium voltage-gated channel subunit alpha1 A; minus strand). Cytogenetic location: 19p13.13.
Variant type: single nucleotide variant.
Coding change: c.7344C>G on transcript NM_001127222.2 (MANE Select); coding-DNA position 7344, C replaced by G.
Protein change: p.Thr2448=; no amino-acid change (threonine 2448 retained).
Molecular consequence: synonymous variant. On other transcripts: 3 prime UTR variant (3).
Genome position (GRCh38, 1-based): chr19:13,207,490, G>C on the plus strand (C>G on the coding strand, the complement: CACNA1A is on the minus strand). VCF-style: chr19-13207490-G-C. GRCh37 (hg19) VCF-style: chr19-13318304-G-C.
Other names: c.*556C>G (NM_000068.4, NM_001127221.2, NM_001174080.2); c.7362C>G, p.Thr2454= (NM_023035.3).
Identifiers: ClinVar variation 1694892 (VCV001694892.31), dbSNP rs770109102, ClinGen allele CA505784703.